The following is an entry in ClinVar:

NM_003072.5(SMARCA4):c.4918T>C (p.Ser1640Pro)

Gene: SMARCA4 (SWI/SNF related BAF chromatin remodeling complex subunit ATPase 4; plus strand). Cytogenetic location: 19p13.2.
Variant type: single nucleotide variant.
Coding change: c.4918T>C on transcript NM_003072.5 (MANE Select); coding-DNA position 4918, T replaced by C.
Protein change: p.Ser1640Pro; replaces serine 1640 with proline.
Molecular consequence: missense variant. On other transcripts: non-coding transcript variant (1).
Genome position (GRCh38, 1-based): chr19:11,061,790, T>C. VCF-style: chr19-11061790-T-C. GRCh37 (hg19) VCF-style: chr19-11172466-T-C.
Other names: c.4918T>C, p.Ser1640Pro (NM_001128844.3); c.4828T>C, p.Ser1610Pro (NM_001128845.2); c.4825T>C, p.Ser1609Pro (NM_001128846.2); c.4819T>C, p.Ser1607Pro (NM_001128847.4, NM_001374457.1); c.4816T>C, p.Ser1606Pro (NM_001128848.2); c.5014T>C, p.Ser1672Pro (NM_001128849.3, NM_001387283.1); short protein forms S1672P, S1609P, S1640P, S1607P, S1606P, S1610P.
Identifiers: ClinVar variation 577861 (VCV000577861.9), dbSNP rs1568570437, ClinGen allele CA404081816.

ClinVar aggregate classification (germline): Uncertain significance. Review status: criteria provided, multiple submitters, no conflicts (2 of 4 stars). 2 submissions from 2 submitters: Uncertain significance (2). Last evaluated 2025-09-28.

Conditions:
Hereditary cancer-predisposing syndrome. Also called: Tumor predisposition; Hereditary neoplastic syndrome; Hereditary Cancer Syndrome; Neoplastic Syndromes, Hereditary. Identifiers: Orphanet 140162, MedGen C0027672, MeSH D009386, MONDO:0015356.
Rhabdoid tumor predisposition syndrome 2 (RTPS2). Identifiers: Orphanet 231108, Orphanet 69077, MedGen C2750074, MONDO:0013224, OMIM 613325.

Allele frequency attached by ClinVar (database versions not stated): gnomAD exomes below 0.00001.
gnomAD v4.1: 1 of 1,613,840 alleles (0.000062%); highest among the groups gnomAD compares: Non-Finnish European, 0.000085%; no homozygotes.

Submissions (2):

Labcorp Genetics (formerly Invitae), Labcorp
Classification: Uncertain significance for Rhabdoid tumor predisposition syndrome 2. Last evaluated: 2025-09-28. Review status: criteria provided, single submitter. Criteria: Invitae Variant Classification Sherloc (09022015). Collection method: clinical testing. Allele origin: germline.
Comment: This sequence change replaces serine, which is neutral and polar, with proline, which is neutral and non-polar, at codon 1672 of the SMARCA4 protein (p.Ser1672Pro). This variant is not present in population databases (gnomAD no frequency). This variant has not been reported in the literature in individuals affected with SMARCA4-related conditions. ClinVar contains an entry for this variant (Variation ID: 577861). Experimental studies and prediction algorithms are not available or were not evaluated, and the functional significance of this variant is currently unknown. In summary, the available evidence is currently insufficient to determine the role of this variant in disease. Therefore, it has been classified as a Variant of Uncertain Significance.

Ambry Genetics
Classification: Uncertain significance for Hereditary cancer-predisposing syndrome. Last evaluated: 2025-05-11. Review status: criteria provided, single submitter. Criteria: Ambry Variant Classification Scheme 2023. Collection method: clinical testing. Allele origin: germline.
Comment: The p.S1672P variant (also known as c.5014T>C), located in coding exon 35 of the SMARCA4 gene, results from a T to C substitution at nucleotide position 5014. The serine at codon 1672 is replaced by proline, an amino acid with similar properties. This amino acid position is conserved. In addition, the in silico prediction for this alteration is inconclusive. Based on the available evidence, the clinical significance of this variant remains unclear.